The following continues an entry in ClinVar:

NM_000518.5(HBB):c.118C>T (p.Gln40Ter)

ClinVar aggregate classification (germline): Pathogenic. Pathogenic (43).

Submissions 28 to 49 of 49:

AURAGEN, Plan France Médecine Génomique
Classification: Pathogenic for Erythrocyte disorder. Last evaluated: 2021-07-03. Review status: criteria provided, single submitter. Criteria: PFMG2025 (Lancet Reg Health Eur. 2025). Collection method: clinical testing. Allele origin: germline. Affected: yes.

Institute of Human Genetics, University of Leipzig Medical Center
Classification: Pathogenic for Beta-thalassemia HBB/LCRB. Last evaluated: 2021-03-10. Review status: criteria provided, single submitter. Criteria: ACMG Guidelines, 2015. Collection method: clinical testing. Allele origin: unknown. Affected: yes.

Revvity Omics, Revvity
Classification: Pathogenic. Last evaluated: 2021-02-26. Review status: criteria provided, single submitter. Criteria: ACMG Guidelines, 2015. Collection method: clinical testing. Allele origin: germline.

Quest Diagnostics Nichols Institute San Juan Capistrano
Classification: Pathogenic. Last evaluated: 2020-12-01. Review status: criteria provided, single submitter. Criteria: Quest Diagnostics criteria. Collection method: clinical testing. Allele origin: unknown.
Comment: The HBB c.118C>T (p.Gln40*) variant causes the premature termination of beta-globin protein synthesis and is associated with beta-zero thalassemia (see HbVar, and PMID: 6457059 (1981), 6985481 (1981), 6896219 (1982)). Previous names for this pathogenic variant include codon 39 (C>T) and Gln39X.

Genetics and Molecular Pathology, SA Pathology
Classification: Pathogenic for Beta-thalassemia HBB/LCRB. Last evaluated: 2020-02-03. Review status: criteria provided, single submitter. Criteria: ACMG Guidelines, 2015. Collection method: clinical testing. Allele origin: germline. Affected: yes.

Myriad Genetics, Inc.
Classification: Pathogenic for Beta-thalassemia HBB/LCRB. Last evaluated: 2019-12-10. Review status: criteria provided, single submitter. Criteria: Myriad Women's Health Autosomal Recessive and X-Linked Classification Criteria (2019). Collection method: clinical testing. Allele origin: unknown.
Comment: NM_000518.4(HBB):c.118C>T(Q40*) is classified as pathogenic in the context of Hb beta chain-related hemoglobinopathy. Please note that Q40* is associated with beta thalassemia and is classified as a beta-zero variant. Sources cited for classification include the following: PMID 1734721 and 21417574. Classification of NM_000518.4(HBB):c.118C>T(Q40*) is based on the following criteria: The variant causes a premature termination codon that is expected to be targeted by nonsense-mediated mRNA decay and is reported in individuals with the relevant phenotype. Please note: this variant was assessed in the context of healthy population screening.

Rady Children's Institute for Genomic Medicine, Rady Children's Hospital San Diego
Classification: Pathogenic for BETA-THALASSEMIA. Last evaluated: 2019-04-18. Review status: criteria provided, single submitter. Criteria: ACMG Guidelines, 2015. Collection method: clinical testing. Allele origin: germline. Affected: yes.
Comment: This nonsense variant found in exon 2 of 3 is predicted to result in loss of normal protein function. This variant has been previously reported in trans with a second HBB variant in individuals affected with with beta-thalassemia (PMID: 6457059, 23637309, 21417574, 27821015, 20301599). The variant was been classified as Pathogenic by multiple clinical laboratories in the ClinVar database (Variation ID: 15402). Functional studies of the variant using transfected Hela cells demonstrate significantly reduced mRNA expression with no protein detected, suggesting that the variant transcript undergoes nonsense-mediated mRNA decay (PMID: 21389146). It is present in the heterozygous state in the gnomAD population database at a frequency of 0.03% (87/282760). Based on the available evidence the c.118C>T (p.Gln40Ter) variant is classified as Pathogenic.

Centre for Mendelian Genomics, University Medical Centre Ljubljana
Classification: Pathogenic for alpha Thalassemia. Last evaluated: 2019-03-28. Review status: criteria provided, single submitter. Criteria: ACMG Guidelines, 2015. Collection method: clinical testing. Allele origin: unknown. Affected: yes.
Comment: This variant was classified as: Pathogenic. The following ACMG criteria were applied in classifying this variant: PVS1,PS1,PM1.

Clinical Genetics and Genomics, Karolinska University Hospital
Classification: Pathogenic. Last evaluated: 2017-10-19. Review status: criteria provided, single submitter. Criteria: ACMG Guidelines, 2015. Collection method: clinical testing. Allele origin: germline. Affected: yes. Observed: 15 variant alleles.

Ambry Genetics
Classification: Pathogenic for Inborn genetic diseases. Last evaluated: 2016-12-09. Review status: criteria provided, single submitter. Criteria: Ambry Variant Classification Scheme 2023. Collection method: clinical testing. Allele origin: germline.
Comment: The p.Q40* pathogenic mutation (also known as c.118C>T and p.Q39X), located in coding exon 2 of the HBB gene, results from a C to T substitution at nucleotide position 118. This changes the amino acid from a glutamine to a stop codon within coding exon 2. In addition to the clinical data presented in the literature, this alteration is expected to result in loss of function by premature protein truncation or nonsense-mediated mRNA decay. As such, this alteration is interpreted as a disease-causing mutation.

Eurofins Ntd Llc (ga)
Classification: Pathogenic. Last evaluated: 2016-04-21. Review status: criteria provided, single submitter. Criteria: EGL Classification Definitions 2015. Collection method: clinical testing. Allele origin: germline. Observed: 3 variant alleles, 3 heterozygotes.

Women's Health and Genetics/Laboratory Corporation of America, LabCorp
Classification: Pathogenic for beta Thalassemia. Last evaluated: 2016-04-08. Review status: criteria provided, single submitter. Criteria: LabCorp Variant Classification Summary - May 2015. Collection method: clinical testing. Allele origin: germline.
Comment: Variant summary: The c.118C>T variant results in a premature termination codon, predicted to cause a truncated or absent HBB protein, which is a commonly known diease mechanism in hemoglobinopathy. Truncations downstream of this position have been classified as pathogenic by our laboratory (e.g. c.217dupA, c.230delC, c.251delG, etc. ). This variant is found in 51/121354 control chromosomes at a frequency of 0.0004203, which does not exceed maximal expected frequency of a pathogenic allele (0.0111803). This variant is a well-known common pathogenic variant in Sardinian and other populations (Danjou_2012, Sirdah_2013). Multiple reputable databases classified this variant as pathogenic. Taken together, this variant has been classified as pathogenic.

Genetic Services Laboratory, University of Chicago
Classification: Pathogenic for beta Thalassemia. Last evaluated: 2016-03-15. Review status: criteria provided, single submitter. Criteria: ACMG Guidelines, 2015. Collection method: clinical testing. Allele origin: germline. Affected: yes.

HudsonAlpha Institute for Biotechnology
Classification: Pathogenic for Beta-thalassemia HBB/LCRB. Last evaluated: 2016-02-11. Review status: criteria provided, single submitter. Criteria: HA_assertions_20150911. Collection method: research. Allele origin: unknown, maternal. Observed: 2 variant alleles. Study: CSER-HudsonAlpha.

Baylor Genetics
Classification: Pathogenic for Hb SS disease. Review status: criteria provided, single submitter. Criteria: ACMG Guidelines, 2015. Collection method: clinical testing. Allele origin: germline.

Clinical Genetics Service, Universitary Hospital 12 de Octubre
Classification: Pathogenic for Beta-thalassemia HBB/LCRB. Review status: criteria provided, single submitter. Criteria: ACMG Guidelines, 2015. Collection method: clinical testing. Allele origin: germline. Affected: yes.

Zotz-Klimas Genetics Lab, MVZ Zotz Klimas
Classification: Pathogenic for Beta-thalassemia HBB/LCRB. Last evaluated: 2023-11-24. Review status: no assertion criteria provided. Collection method: clinical testing. Allele origin: germline. Affected: yes. Not counted in ClinVar's aggregate classification.

The ITHANET community portal, The Cyprus Institute of Neurology and Genetics
Classification: Pathogenic for beta Thalassemia. Last evaluated: 2019-11-25. Review status: no assertion criteria provided. Collection method: curation. Allele origin: germline. Not counted in ClinVar's aggregate classification.

Biochemical Molecular Genetic Laboratory, King Abdulaziz Medical City
Classification: Pathogenic for Beta-thalassemia HBB/LCRB. Last evaluated: 2019-08-25. Review status: no assertion criteria provided. Collection method: clinical testing. Allele origin: germline. Affected: yes. Not counted in ClinVar's aggregate classification.

Baylor Genetics
Classification: Pathogenic for Beta-thalassemia HBB/LCRB. Last evaluated: 2016-02-10. Review status: no assertion criteria provided. Collection method: clinical testing. Allele origin: germline. Inheritance: Autosomal dominant inheritance. Affected: yes. Observed: 5 variant alleles, 5 heterozygotes. Not counted in ClinVar's aggregate classification.
Comment: Brain MRI showed asymmetric prominent ventricles, possible undermyelination and amygdalo/hippocampal dysgenesis. The same variant has been found in 4 additional individuals with beta thalassemia trait.

OMIM
Classification: Pathogenic for BETA-ZERO-THALASSEMIA. Last evaluated: 1992-02-01. Review status: no assertion criteria provided. Collection method: literature only. Allele origin: germline. Not counted in ClinVar's aggregate classification.

GeneReviews
No classification provided. Condition: beta Thalassemia. Review status: no classification provided. Collection method: literature only. Allele origin: germline. Not counted in ClinVar's aggregate classification.

Literature cited by the submitters: PubMed 23637309 (cited by 4 submitters); PubMed 8095930 (cited by Labcorp Genetics (formerly Invitae), Labcorp); PubMed 25572186 (cited by 3 submitters); PubMed 27427187 (cited by Labcorp Genetics (formerly Invitae), Labcorp and Variantyx, Inc.); PubMed 28366028 (cited by 4 submitters); PubMed 26016902 (cited by Victorian Clinical Genetics Services, Murdoch Childrens Research Institute); PubMed 20301599 (cited by Victorian Clinical Genetics Services, Murdoch Childrens Research Institute and Dasa); PubMed 33091040 (cited by Victorian Clinical Genetics Services, Murdoch Childrens Research Institute); PubMed 31788855 (cited by Victorian Clinical Genetics Services, Murdoch Childrens Research Institute); PubMed 29700171 (cited by Victorian Clinical Genetics Services, Murdoch Childrens Research Institute); PubMed 33317346 (cited by Victorian Clinical Genetics Services, Murdoch Childrens Research Institute); PubMed 25480500 (cited by Victorian Clinical Genetics Services, Murdoch Childrens Research Institute); PubMed 21389146 (cited by 6 submitters); PubMed 21417574 (cited by 5 submitters); PubMed 9618059 (cited by Natera, Inc.); PubMed 6457059 (cited by 9 submitters); PubMed 27821015 (cited by Laboratory for Molecular Medicine, Mass General Brigham Personalized Medicine); PubMed 28670940 (cited by Laboratory for Molecular Medicine, Mass General Brigham Personalized Medicine and Dasa); PubMed 23321370 (cited by 3 submitters); PubMed 22271886 (cited by 3 submitters); PubMed 1734721 (cited by 3 submitters); PubMed 27199182 (cited by Illumina Laboratory Services, Illumina and Dasa); PubMed 33000750 (cited by Illumina Laboratory Services, Illumina); PubMed 9163586 (cited by Illumina Laboratory Services, Illumina); PubMed 2867271 (cited by Dasa and OMIM); PubMed 28361595 (cited by Dasa); PubMed 27829304 (cited by Dasa); PubMed 26897028 (cited by Dasa); PubMed 32039214 (cited by Dasa); PubMed 26366554 (cited by Dasa); PubMed 26956563 (cited by Dasa); PubMed 6896219 (cited by Quest Diagnostics Nichols Institute San Juan Capistrano and The ITHANET community portal, The Cyprus Institute of Neurology and Genetics); PubMed 6985481 (cited by Quest Diagnostics Nichols Institute San Juan Capistrano and Ambry Genetics); PubMed 21228398 (cited by Quest Diagnostics Nichols Institute San Juan Capistrano and Baylor Genetics); PubMed 22975760 (cited by Quest Diagnostics Nichols Institute San Juan Capistrano and Baylor Genetics); PubMed 6162860 (cited by The ITHANET community portal, The Cyprus Institute of Neurology and Genetics); PubMed 25087612 (cited by Baylor Genetics); Epstein, R. H., Bolle, A., Steinberg, C. M., Kellenberger, E., Boy de la Tour, E., Chevalley, R., Edgar, R. S., Susman, M., Denhardt, G. H., Lielausis, A. Physiological studies of conditional lethal mutants of bacteriophage T4D. Cold Spring Harbor Symp. Quant. Biol. 28: 375-394, 1963. (cited by OMIM); Witkowski, J. A. The 51 most-cited articles in the Cold Spring Harbor Symposia on Quantitative Biology. Curr. Contents 33(28): 7-16, 1990. (cited by OMIM); Edgar, R. S. Conditional lethals. In: Cairns, J., Stent, G. S., Watson, J. D. Phage and the Origins of Molecular Biology. Cold Spring Harbor, New York: Cold Spring Harbor Laboratory (pub.) 166-170, 1966. (cited by OMIM); NCBI Bookshelf NBK1426 (cited by GeneReviews).